The following is an entry in ClinVar:

ClinVar aggregate classification (germline): Uncertain significance. Review status: criteria provided, multiple submitters, no conflicts (2 of 4 stars). 6 submissions from 4 submitters: Uncertain significance (6). Last evaluated 2025-03-23.

Conditions:
TMEM67-related disorder. Also called: TMEM67-related disorders; TMEM67-related condition. Identifiers: MedGen CN239423.
Meckel-Gruber syndrome. Also called: Dysencephalia splachnocystica; DYSENCEPHALIA SPLANCHNOCYSTICA; GRUBER SYNDROME. Identifiers: Orphanet 564, MedGen C0265215, MONDO:0018921.
Joubert syndrome. Also called: JOUBERT-BOLTSHAUSER SYNDROME; Familial aplasia of the vermis. Identifiers: Orphanet 475, MedGen C5979921, MONDO:0018772.
Meckel syndrome, type 3 (MKS3). Also called: MECKEL-GRUBER SYNDROME, TYPE 3. Identifiers: Orphanet 564, MedGen C1846357, MONDO:0011821, OMIM 607361.
Joubert syndrome 6 (JBTS6). Identifiers: Orphanet 475, MedGen C1853153, MONDO:0012539, OMIM 610688.
Nephronophthisis 11 (NPHP11). Identifiers: Orphanet 84081, MedGen C3150796, MONDO:0013302, OMIM 613550.

Allele frequency attached by ClinVar (database versions not stated): gnomAD 0.00001 and 0.00004; TOPMed 0.00001; gnomAD exomes 0.00006 and 0.00008; ExAC 0.00007.

Submissions (6):

PreventionGenetics, part of Exact Sciences
Classification: Uncertain significance for TMEM67-related condition. Last evaluated: 2025-03-23. Review status: criteria provided, single submitter. Criteria: ACMG Guidelines, 2015. Collection method: clinical testing. Allele origin: germline.
Comment: The TMEM67 c.1976G>A variant is predicted to result in the amino acid substitution p.Arg659Gln. To our knowledge, this variant has not been reported in the literature. This variant is reported in 0.059% of alleles in individuals of South Asian descent in gnomAD, which may be too common to be causative. Although we suspect that this variant may be benign, at this time, the clinical significance of this variant is uncertain due to the absence of conclusive functional and genetic evidence.

GeneDx
Classification: Uncertain significance. Last evaluated: 2024-10-16. Review status: criteria provided, single submitter. Criteria: GeneDx Variant Classification Process June 2021. Collection method: clinical testing. Allele origin: germline. Affected: yes.
Comment: Reported in a myelomeningocele large cohort study, but detailed information on clinical phenotype, zygosity, and segregation were not provided (PMID: 33574475); In silico analysis indicates that this missense variant does not alter protein structure/function; In silico analysis is inconclusive as to whether the variant alters gene splicing. In the absence of RNA/functional studies, the actual effect of this sequence change is unknown.; This variant is associated with the following publications: (PMID: 33574475)

Labcorp Genetics (formerly Invitae), Labcorp
Classification: Uncertain significance for Joubert syndrome; Meckel-Gruber syndrome. Last evaluated: 2022-08-13. Review status: criteria provided, single submitter. Criteria: Invitae Variant Classification Sherloc (09022015). Collection method: clinical testing. Allele origin: germline.
Comment: This sequence change replaces arginine, which is basic and polar, with glutamine, which is neutral and polar, at codon 659 of the TMEM67 protein (p.Arg659Gln). This variant is present in population databases (rs769827614, gnomAD 0.06%). This variant has not been reported in the literature in individuals affected with TMEM67-related conditions. ClinVar contains an entry for this variant (Variation ID: 910124). Advanced modeling of protein sequence and biophysical properties (such as structural, functional, and spatial information, amino acid conservation, physicochemical variation, residue mobility, and thermodynamic stability) performed at Invitae indicates that this missense variant is expected to disrupt TMEM67 protein function. Algorithms developed to predict the effect of sequence changes on RNA splicing suggest that this variant may disrupt the consensus splice site. In summary, the available evidence is currently insufficient to determine the role of this variant in disease. Therefore, it has been classified as a Variant of Uncertain Significance.

Illumina Laboratory Services, Illumina
Classification: Uncertain significance for Nephronophthisis 11. Last evaluated: 2018-01-15. Review status: criteria provided, single submitter. Criteria: ICSL Variant Classification Criteria 13 December 2019. Collection method: clinical testing. Allele origin: germline.

Illumina Laboratory Services, Illumina
Classification: Uncertain significance for Joubert syndrome 6. Last evaluated: 2018-01-15. Review status: criteria provided, single submitter. Criteria: ICSL Variant Classification Criteria 13 December 2019. Collection method: clinical testing. Allele origin: germline.

Illumina Laboratory Services, Illumina
Classification: Uncertain significance for Meckel syndrome, type 3. Last evaluated: 2018-01-15. Review status: criteria provided, single submitter. Criteria: ICSL Variant Classification Criteria 13 December 2019. Collection method: clinical testing. Allele origin: germline.

NM_153704.6(TMEM67):c.1976G>A (p.Arg659Gln)

Gene: TMEM67 (transmembrane protein 67; plus strand). Cytogenetic location: 8q22.1.
Variant type: single nucleotide variant.
Coding change: c.1976G>A on transcript NM_153704.6 (MANE Select); coding-DNA position 1976, G replaced by A.
Protein change: p.Arg659Gln; replaces arginine 659 with glutamine.
Molecular consequence: missense variant. On other transcripts: non-coding transcript variant (1).
Genome position (GRCh38, 1-based): chr8:93,797,346, G>A. VCF-style: chr8-93797346-G-A. GRCh37 (hg19) VCF-style: chr8-94809574-G-A.
Other names: c.1733G>A, p.Arg578Gln (NM_001142301.1); short protein forms R578Q, R659Q.
Identifiers: ClinVar variation 910124 (VCV000910124.12), dbSNP rs769827614, ClinGen allele CA4808175.